The following is an entry in ClinVar:

ClinVar aggregate classification (germline): Uncertain significance. Review status: criteria provided, multiple submitters, no conflicts (2 of 4 stars). 2 submissions from 2 submitters: Uncertain significance (2). Last evaluated 2026-01-14.

Allele frequency attached by ClinVar (database versions not stated): gnomAD 0.00002; ExAC 0.00001; TOPMed 0.00003.
gnomAD v4.1: 42 of 1,613,628 alleles (0.0026%); highest among the groups gnomAD compares: South Asian, 0.0033%; no homozygotes.

Submissions (2):

Labcorp Genetics (formerly Invitae), Labcorp
Classification: Uncertain significance. Last evaluated: 2026-01-14. Review status: criteria provided, single submitter. Criteria: Invitae Variant Classification Sherloc (09022015). Collection method: clinical testing. Allele origin: germline.
Comment: This sequence change replaces glutamic acid, which is acidic and polar, with lysine, which is basic and polar, at codon 510 of the LZTS1 protein (p.Glu510Lys). This variant is present in population databases (rs199603808, gnomAD 0.006%). This variant has not been reported in the literature in individuals affected with LZTS1-related conditions. ClinVar contains an entry for this variant (Variation ID: 1986559). Invitae Evidence Modeling of protein sequence and biophysical properties (such as structural, functional, and spatial information, amino acid conservation, physicochemical variation, residue mobility, and thermodynamic stability) indicates that this missense variant is expected to disrupt LZTS1 protein function with a positive predictive value of 80%. In summary, the available evidence is currently insufficient to determine the role of this variant in disease. Therefore, it has been classified as a Variant of Uncertain Significance.

Ambry Genetics
Classification: Uncertain significance. Last evaluated: 2023-11-13. Review status: criteria provided, single submitter. Criteria: Ambry Variant Classification Scheme 2023. Collection method: clinical testing. Allele origin: germline.

NM_021020.5(LZTS1):c.1528G>A (p.Glu510Lys)

Gene: LZTS1 (leucine zipper tumor suppressor 1; minus strand). Cytogenetic location: 8p21.3.
Variant type: single nucleotide variant.
Coding change: c.1528G>A on transcript NM_021020.5 (MANE Select); coding-DNA position 1528, G replaced by A.
Protein change: p.Glu510Lys; replaces glutamic acid 510 with lysine.
Molecular consequence: missense variant.
Genome position (GRCh38, 1-based): chr8:20,249,985, C>T on the plus strand (G>A on the coding strand, the complement: LZTS1 is on the minus strand). VCF-style: chr8-20249985-C-T. GRCh37 (hg19) VCF-style: chr8-20107496-C-T.
Other names: c.1528G>A, p.Glu510Lys (NM_001362884.2); c.1528G>A (NM_021020.2); short protein forms E510K.
Identifiers: ClinVar variation 1986559 (VCV001986559.5), dbSNP rs199603808, ClinGen allele CA4657246.